The following is an entry in ClinVar:

NM_005444.3(CNOT9):c.323C>T (p.Ser108Leu)

Gene: CNOT9 (CCR4-NOT transcription complex subunit 9; plus strand). Cytogenetic location: 2q35.
Variant type: single nucleotide variant.
Coding change: c.323C>T on transcript NM_005444.3 (MANE Select); coding-DNA position 323, C replaced by T.
Protein change: p.Ser108Leu; replaces serine 108 with leucine.
Molecular consequence: missense variant.
Genome position (GRCh38, 1-based): chr2:218,584,614, C>T. VCF-style: chr2-218584614-C-T. GRCh37 (hg19) VCF-style: chr2-219449337-C-T.
Other names: c.323C>T, p.Ser108Leu (NM_001271634.2, NM_001271635.2); short protein forms S108L.
Identifiers: ClinVar variation 3600843 (VCV003600843.2).

ClinVar aggregate classification (germline): Uncertain significance (1 of 4 stars; one submission).

Submission:

GeneDx
Classification: Uncertain significance. Last evaluated: 2026-09-08. Review status: criteria provided, single submitter. Criteria: GeneDx Variant Classification Process June 2021. Collection method: clinical testing. Allele origin: germline.
Comment: Not observed at significant frequency in large population cohorts (gnomAD); In silico analysis supports that this missense variant has a deleterious effect on protein structure/function; Has not been previously published as pathogenic or benign to our knowledge